The following is an entry in ClinVar:

NM_181486.4(TBX5):c.623A>T (p.Glu208Val)

Gene: TBX5 (T-box transcription factor 5; minus strand). Cytogenetic location: 12q24.21.
Variant type: single nucleotide variant.
Coding change: c.623A>T on transcript NM_181486.4 (MANE Select); coding-DNA position 623, A replaced by T.
Protein change: p.Glu208Val; replaces glutamic acid 208 with valine.
Molecular consequence: missense variant.
Genome position (GRCh38, 1-based): chr12:114,394,781, T>A on the plus strand (A>T on the coding strand, the complement: TBX5 is on the minus strand). VCF-style: chr12-114394781-T-A. GRCh37 (hg19) VCF-style: chr12-114832586-T-A.
Other names: c.623A>T, p.Glu208Val (NM_000192.3); c.473A>T, p.Glu158Val (NM_080717.4); short protein forms E158V, E208V.
Identifiers: ClinVar variation 1298559 (VCV001298559.37), dbSNP rs2136410771, ClinGen allele CA386861368.

ClinVar aggregate classification (germline): Uncertain significance. Review status: criteria provided, multiple submitters, no conflicts (2 of 4 stars). 2 submissions from 2 submitters: Uncertain significance (2). Last evaluated 2022-12-01.

Conditions:
Cardiovascular phenotype. Identifiers: MedGen CN230736.

Allele frequency attached by ClinVar (database versions not stated): gnomAD exomes below 0.00001.
gnomAD v4.1: 1 of 1,614,176 alleles (0.000062%); highest among the groups gnomAD compares: Non-Finnish European, 0.000085%; no homozygotes.

Submissions (2):

Ambry Genetics
Classification: Uncertain significance for Cardiovascular phenotype. Last evaluated: 2022-12-01. Review status: criteria provided, single submitter. Criteria: Ambry Variant Classification Scheme 2023. Collection method: clinical testing. Allele origin: germline.
Comment: The p.E208V variant (also known as c.623A>T), located in coding exon 5 of the TBX5 gene, results from an A to T substitution at nucleotide position 623. The glutamic acid at codon 208 is replaced by valine, an amino acid with dissimilar properties. This amino acid position is conserved. In addition, this alteration is predicted to be deleterious by in silico analysis. Since supporting evidence is limited at this time, the clinical significance of this alteration remains unclear.

CeGaT Center for Human Genetics Tuebingen
Classification: Uncertain significance. Last evaluated: 2021-08-01. Review status: criteria provided, single submitter. Criteria: CeGaT Center For Human Genetics Tuebingen Variant Classification Criteria Version 2. Collection method: clinical testing. Allele origin: germline. Affected: yes. Observed: 1 variant allele.